The following is an entry in ClinVar:

ClinVar aggregate classification (germline): Benign. Review status: criteria provided, multiple submitters, no conflicts (2 of 4 stars). 4 submissions from 4 submitters: Benign (4). Last evaluated 2026-07-01.

Conditions:
Glycogen storage disease, type II (IOPD). Also called: CARDIOMEGALIA GLYCOGENICA DIFFUSA; GLYCOGENOSIS, GENERALIZED, CARDIAC FORM; GSD II; Glycogen storage disease type 2; Acid maltase deficiency disease; Aglucosidase alfa. Identifiers: Orphanet 365, MedGen C0017921, MONDO:0009290, OMIM 232300.

Allele frequency attached by ClinVar (database versions not stated): 1000 Genomes Project 0.46665; 1000 Genomes Project 30x 0.46690; TOPMed 0.53621; gnomAD 0.55253 and 0.55461; gnomAD exomes 0.58440.
gnomAD v4.1: 349,808 of 606,288 alleles (58%); highest among the groups gnomAD compares: Middle Eastern, 75%; 104,769 homozygotes.

Submissions (4):

Genomenon, Inc
Classification: Benign for Glycogen storage disease, type II. Last evaluated: 2026-07-01. Review status: criteria provided, single submitter. Criteria: Genomenon Sequence Variant Interpretation Standards - Updated. Collection method: curation. Allele origin: germline. Affected: no.
Comment: GAA c.1637-185A>G is an intronic variant located in intron 11. This variant is present at high allele frequency in population databases. We classify GAA c.1637-185A>G as a benign variant.

Genome-Nilou Lab
Classification: Benign for Glycogen storage disease, type II. Last evaluated: 2021-06-10. Review status: criteria provided, single submitter. Criteria: ACMG Guidelines, 2015. Collection method: clinical testing. Allele origin: germline. Affected: no.

GeneDx
Classification: Benign. Last evaluated: 2015-03-03. Review status: criteria provided, single submitter. Criteria: GeneDx Variant Classification Process June 2021. Collection method: clinical testing. Allele origin: germline. Affected: yes.

Breakthrough Genomics
Classification: Benign. Review status: criteria provided, single submitter. Criteria: ACMG Guidelines, 2015. Collection method: not provided. Allele origin: germline. Inheritance: Autosomal recessive inheritance. Affected: yes.

NM_000152.5(GAA):c.1637-185A>G

Gene: GAA (alpha glucosidase; plus strand). Cytogenetic location: 17q25.3.
Variant type: single nucleotide variant.
Coding change: c.1637-185A>G on transcript NM_000152.5 (MANE Select); 185 bases into the intron before coding-DNA position 1637, A replaced by G.
Molecular consequence: intron variant.
Genome position (GRCh38, 1-based): chr17:80,111,798, A>G. VCF-style: chr17-80111798-A-G. GRCh37 (hg19) VCF-style: chr17-78085597-A-G.
Other names: c.1637-185A>G (NM_001079803.3, NM_001079804.3).
Identifiers: ClinVar variation 1172940 (VCV001172940.7), dbSNP rs12951255, ClinGen allele CA14427101.